The following is an entry in ClinVar:

NM_005219.5(DIAPH1):c.1476A>T (p.Leu492Phe)

Gene: DIAPH1 (diaphanous related formin 1; minus strand). Cytogenetic location: 5q31.3.
Variant type: single nucleotide variant.
Coding change: c.1476A>T on transcript NM_005219.5 (MANE Select); coding-DNA position 1476, A replaced by T.
Protein change: p.Leu492Phe; replaces leucine 492 with phenylalanine.
Molecular consequence: missense variant.
Genome position (GRCh38, 1-based): chr5:141,575,132, T>A on the plus strand (A>T on the coding strand, the complement: DIAPH1 is on the minus strand). VCF-style: chr5-141575132-T-A. GRCh37 (hg19) VCF-style: chr5-140954699-T-A.
Other names: c.1449A>T, p.Leu483Phe (NM_001079812.3); c.1476A>T, p.Leu492Phe (NM_001314007.2); short protein forms L483F, L492F.
Identifiers: ClinVar variation 2131797 (VCV002131797.4), dbSNP rs1311125734, ClinGen allele CA361524522.

ClinVar aggregate classification (germline): Uncertain significance (1 of 4 stars; one submission).

Conditions:
Autosomal dominant nonsyndromic hearing loss 1. Also called: DEAFNESS, AUTOSOMAL DOMINANT 1, WITH OR WITHOUT THROMBOCYTOPENIA; KONIGSMARK SYNDROME. Identifiers: Orphanet 90635, MedGen C1852282, MONDO:0007424, OMIM 124900.
Progressive microcephaly-seizures-cortical blindness-developmental delay syndrome. Also called: Seizures, cortical blindness, and microcephaly syndrome. Identifiers: Orphanet 477814, MedGen C5567650, MONDO:0014714, OMIM 616632.

Submission:

Labcorp Genetics (formerly Invitae), Labcorp
Classification: Uncertain significance for Progressive microcephaly-seizures-cortical blindness-developmental delay syndrome; Autosomal dominant nonsyndromic hearing loss 1. Last evaluated: 2022-07-16. Review status: criteria provided, single submitter. Criteria: Invitae Variant Classification Sherloc (09022015). Collection method: clinical testing. Allele origin: germline.
Comment: In summary, the available evidence is currently insufficient to determine the role of this variant in disease. Therefore, it has been classified as a Variant of Uncertain Significance. Algorithms developed to predict the effect of sequence changes on RNA splicing suggest that this variant may disrupt the consensus splice site. Algorithms developed to predict the effect of missense changes on protein structure and function are either unavailable or do not agree on the potential impact of this missense change (SIFT: "Deleterious"; PolyPhen-2: "Not Available"; Align-GVGD: "Class C0"). This variant has not been reported in the literature in individuals affected with DIAPH1-related conditions. This variant is not present in population databases (gnomAD no frequency). This sequence change replaces leucine, which is neutral and non-polar, with phenylalanine, which is neutral and non-polar, at codon 492 of the DIAPH1 protein (p.Leu492Phe).